The following is an entry in ClinVar:

ClinVar aggregate classification (germline): Uncertain significance (1 of 4 stars; one submission).

Conditions:
Hereditary cancer-predisposing syndrome. Also called: Neoplastic Syndromes, Hereditary; Tumor predisposition; Hereditary Cancer Syndrome; Hereditary neoplastic syndrome. Identifiers: Orphanet 140162, MedGen C0027672, MeSH D009386, MONDO:0015356.

Submission:

Ambry Genetics
Classification: Uncertain significance for Hereditary cancer-predisposing syndrome. Last evaluated: 2025-11-26. Review status: criteria provided, single submitter. Criteria: Ambry Variant Classification Scheme 2023. Collection method: clinical testing. Allele origin: germline.
Comment: The p.L34V variant (also known as c.100C>G), located in coding exon 1 of the MEN1 gene, results from a C to G substitution at nucleotide position 100. The leucine at codon 34 is replaced by valine, an amino acid with highly similar properties. This amino acid position is conserved. In addition, this alteration is predicted to be deleterious by in silico analysis. Based on the available evidence, the clinical significance of this variant remains unclear.

NM_001370259.2(MEN1):c.100C>G (p.Leu34Val)

Gene: MEN1 (menin 1; minus strand). Cytogenetic location: 11q13.1.
Variant type: single nucleotide variant.
Coding change: c.100C>G on transcript NM_001370259.2 (MANE Select); coding-DNA position 100, C replaced by G.
Protein change: p.Leu34Val; replaces leucine 34 with valine.
Molecular consequence: missense variant. On other transcripts: non-coding transcript variant (4).
Genome position (GRCh38, 1-based): chr11:64,810,010, G>C on the plus strand (C>G on the coding strand, the complement: MEN1 is on the minus strand). VCF-style: chr11-64810010-G-C. GRCh37 (hg19) VCF-style: chr11-64577482-G-C.
Other names: c.100C>G, p.Leu34Val (NM_000244.4, NM_001370251.2, NM_001370260.2 and 20 more transcripts); short protein forms L34V.
Identifiers: ClinVar variation 4646541 (VCV004646541.1).